The following is an entry in ClinVar:

NM_000383.4(AIRE):c.995+5G>T

Gene: AIRE (autoimmune regulator; plus strand). Cytogenetic location: 21q22.3.
Variant type: single nucleotide variant.
Coding change: c.995+5G>T on transcript NM_000383.4 (MANE Select); 5 bases into the intron after coding-DNA position 995, G replaced by T.
Molecular consequence: intron variant.
Genome position (GRCh38, 1-based): chr21:44,291,215, G>T. VCF-style: chr21-44291215-G-T. GRCh37 (hg19) VCF-style: chr21-45711098-G-T.
Identifiers: ClinVar variation 4883741 (VCV004883741.2).

ClinVar aggregate classification (germline): Uncertain significance (1 of 4 stars; one submission).

Conditions:
Polyglandular autoimmune syndrome, type 1 (APS1). Also called: Autoimmune polyendocrinopathy syndrome , type I, with or without reversible metaphyseal dysplasia; Autoimmune polyendocrinopathy syndrome, type I; AUTOIMMUNE POLYENDOCRINE SYNDROME, TYPE I, WITH OR WITHOUT REVERSIBLE METAPHYSEAL DYSPLASIA; APS I; HYPOADRENOCORTICISM WITH HYPOPARATHYROIDISM AND SUPERFICIAL MONILIASIS; PGA I. Identifiers: Orphanet 3453, MedGen C0085859, MONDO:0009411, OMIM 240300.

Submission:

Dasa
Classification: Uncertain significance for autoimmune polyendocrine syndrome type 1. Last evaluated: 2026-01-30. Review status: criteria provided, single submitter. Criteria: DASA Assertion Criteria. Collection method: clinical testing. Allele origin: germline.
Comment: NM_000383.4(AIRE):c.995+5G>T is a splice-region variant. This variant affects a splice-region context with prior evidence supporting clinical relevance. This variant is rare in population databases. Computational prediction algorithms are consistent with a deleterious effect. The currently available literature and clinical evidence are not sufficient to establish a definitive association between this variant and the reported condition. Therefore, this variant is classified as a variant of uncertain significance.